The following is an entry in ClinVar:

ClinVar aggregate classification (germline): Uncertain significance. Review status: criteria provided, multiple submitters, no conflicts (2 of 4 stars). 2 submissions from 2 submitters: Uncertain significance (2). Last evaluated 2025-11-01.

Conditions:
Early-onset Lafora body disease. Also called: Epilepsy, progressive myoclonic, 10. Identifiers: Orphanet 324290, MedGen C4225258, MONDO:0014717, OMIM 616640.

Allele frequency attached by ClinVar (database versions not stated): gnomAD 0.00001; gnomAD exomes 0.00001 and 0.00002; TOPMed 0.00002.
gnomAD v4.1: 11 of 1,543,048 alleles (0.00071%); highest among the groups gnomAD compares: South Asian, 0.0048%; no homozygotes.

Submissions (2):

Labcorp Genetics (formerly Invitae), Labcorp
Classification: Uncertain significance for Early-onset Lafora body disease. Last evaluated: 2025-11-01. Review status: criteria provided, single submitter. Criteria: Invitae Variant Classification Sherloc (09022015). Collection method: clinical testing. Allele origin: germline.
Comment: This sequence change replaces glycine, which is neutral and non-polar, with glutamic acid, which is acidic and polar, at codon 331 of the PRDM8 protein (p.Gly331Glu). This variant is present in population databases (no rsID available, gnomAD 0.02%). This variant has not been reported in the literature in individuals affected with PRDM8-related conditions. ClinVar contains an entry for this variant (Variation ID: 1062376). An algorithm developed to predict the effect of missense changes on protein structure and function (PolyPhen-2) suggests that this variant is likely to be disruptive. In summary, the available evidence is currently insufficient to determine the role of this variant in disease. Therefore, it has been classified as a Variant of Uncertain Significance.

Ambry Genetics
Classification: Uncertain significance. Last evaluated: 2025-01-08. Review status: criteria provided, single submitter. Criteria: Ambry Variant Classification Scheme 2023. Collection method: clinical testing. Allele origin: germline.

NM_001099403.2(PRDM8):c.992G>A (p.Gly331Glu)

Genes: PRDM8 (PR/SET domain 8; plus strand), LOC129992744 (ATAC-STARR-seq lymphoblastoid silent region 15521; plus strand). Cytogenetic location: 4q21.21.
Variant type: single nucleotide variant.
Coding change: c.992G>A on transcript NM_001099403.2 (MANE Select); coding-DNA position 992, G replaced by A.
Protein change: p.Gly331Glu; replaces glycine 331 with glutamic acid.
Molecular consequence: missense variant.
Genome position (GRCh38, 1-based): chr4:80,202,454, G>A. VCF-style: chr4-80202454-G-A. GRCh37 (hg19) VCF-style: chr4-81123608-G-A.
Other names: c.992G>A (NM_020226.3); c.992G>A, p.Gly331Glu (NM_020226.4); short protein forms G331E.
Identifiers: ClinVar variation 1062376 (VCV001062376.8), dbSNP rs1177151496, ClinGen allele CA357397554.